The following is an entry in ClinVar:

ClinVar aggregate classification (germline): Uncertain significance. Review status: criteria provided, multiple submitters, no conflicts (2 of 4 stars). 2 submissions from 2 submitters: Uncertain significance (2). Last evaluated 2026-08-16.

Conditions:
Lethal congenital glycogen storage disease of heart. Also called: GLYCOGEN STORAGE DISEASE OF HEART; PHOSPHORYLASE KINASE DEFICIENCY OF HEART. Identifiers: Orphanet 439854, MedGen C1849813, MONDO:0009867, OMIM 261740.
Cardiovascular phenotype. Identifiers: MedGen CN230736.

Allele frequency attached by ClinVar (database versions not stated): gnomAD exomes below 0.00001.
gnomAD v4.1: 1 of 1,614,036 alleles (0.000062%); highest among the groups gnomAD compares: Non-Finnish European, 0.000085%; no homozygotes.

Submissions (2):

Ambry Genetics
Classification: Uncertain significance for Cardiovascular phenotype. Last evaluated: 2026-08-16. Review status: criteria provided, single submitter. Criteria: Ambry Variant Classification Scheme 2023. Collection method: clinical testing. Allele origin: germline.
Comment: The p.V535I variant (also known as c.1603G>A), located in coding exon 15 of the PRKAG2 gene, results from a G to A substitution at nucleotide position 1603. The valine at codon 535 is replaced by isoleucine, an amino acid with highly similar properties. This amino acid position is conserved. In addition, the in silico prediction for this alteration is inconclusive. Based on the available evidence, the clinical significance of this variant remains unclear.

Labcorp Genetics (formerly Invitae), Labcorp
Classification: Uncertain significance for Lethal congenital glycogen storage disease of heart. Last evaluated: 2023-08-03. Review status: criteria provided, single submitter. Criteria: Invitae Variant Classification Sherloc (09022015). Collection method: clinical testing. Allele origin: germline.
Comment: This variant has not been reported in the literature in individuals affected with PRKAG2-related conditions. This variant is not present in population databases (gnomAD no frequency). This sequence change replaces valine, which is neutral and non-polar, with isoleucine, which is neutral and non-polar, at codon 535 of the PRKAG2 protein (p.Val535Ile). ClinVar contains an entry for this variant (Variation ID: 2015037). Advanced modeling of protein sequence and biophysical properties (such as structural, functional, and spatial information, amino acid conservation, physicochemical variation, residue mobility, and thermodynamic stability) has been performed at Invitae for this missense variant, however the output from this modeling did not meet the statistical confidence thresholds required to predict the impact of this variant on PRKAG2 protein function. In summary, the available evidence is currently insufficient to determine the role of this variant in disease. Therefore, it has been classified as a Variant of Uncertain Significance.

NM_016203.4(PRKAG2):c.1603G>A (p.Val535Ile)

Gene: PRKAG2 (protein kinase AMP-activated non-catalytic subunit gamma 2; minus strand). Cytogenetic location: 7q36.1.
Variant type: single nucleotide variant.
Coding change: c.1603G>A on transcript NM_016203.4 (MANE Select); coding-DNA position 1603, G replaced by A.
Protein change: p.Val535Ile; replaces valine 535 with isoleucine.
Molecular consequence: missense variant.
Genome position (GRCh38, 1-based): chr7:151,560,599, C>T on the plus strand (G>A on the coding strand, the complement: PRKAG2 is on the minus strand). VCF-style: chr7-151560599-C-T. GRCh37 (hg19) VCF-style: chr7-151257685-C-T.
Other names: c.1603G>A (NM_016203.3); c.1471G>A, p.Val491Ile (NM_001040633.2, NM_001407024.1); c.1228G>A, p.Val410Ile (NM_001304527.2, NM_001407029.1); c.880G>A, p.Val294Ile (NM_001304531.2, NM_001407034.1, NM_001407035.1 and 1 more transcripts); c.1231G>A, p.Val411Ile (NM_001363698.2, NM_001407028.1); c.1603G>A, p.Val535Ile (NM_001407021.1); c.1600G>A, p.Val534Ile (NM_001407022.1, NM_001407023.1); c.1468G>A, p.Val490Ile (NM_001407026.1, NM_001407027.1); and 7 more; short protein forms V310I, V411I, V429I, V491I, V535I, V427I, V439I, V293I.
Identifiers: ClinVar variation 2015037 (VCV002015037.5), dbSNP rs2536233034, ClinGen allele CA370070381.